The following is an entry in ClinVar:

ClinVar aggregate classification (germline): Uncertain significance. Review status: criteria provided, multiple submitters, no conflicts (2 of 4 stars). 5 submissions from 5 submitters: Uncertain significance (5). Last evaluated 2024-06-20.

Conditions:
Cardiovascular phenotype. Identifiers: MedGen CN230736.
Arrhythmogenic right ventricular cardiomyopathy (ARVD). Also called: Arrhythmogenic cardiomyopathy; Arrhythmogenic Right Ventricular Cardiomyopathy (ARVC); Cardiomyopathy, ARVC; Arrhythmogenic right ventricular dysplasia. Identifiers: Orphanet 247, MedGen C0349788, MeSH D019571, MONDO:0016587. Disease mechanism: loss of function. Inheritance: Various modes of inheritance.
Cardiomyopathy (CMYO). Also called: Cardiomyopathies. Identifiers: Orphanet 167848, MedGen C0878544, MONDO:0004994, HP:0001638. Inheritance: Various modes of inheritance.
Arrhythmogenic right ventricular dysplasia 10. Also called: Arrhythmogenic right ventricular dysplasia/cardiomyopathy, type 10; Arrhythmogenic Right Ventricular Dysplasia/Cardiomyopathy10; ARRHYTHMOGENIC RIGHT VENTRICULAR DYSPLASIA, FAMILIAL, 10. Identifiers: MedGen C1857777, MONDO:0012434, OMIM 610193.

Allele frequency attached by ClinVar (database versions not stated): gnomAD 0.00001; TOPMed 0.00001.

Submissions (5):

Ambry Genetics
Classification: Uncertain significance for Cardiovascular phenotype. Last evaluated: 2024-06-20. Review status: criteria provided, single submitter. Criteria: Ambry Variant Classification Scheme 2023. Collection method: clinical testing. Allele origin: germline.
Comment: The p.S800C variant (also known as c.2399C>G), located in coding exon 15 of the DSG2 gene, results from a C to G substitution at nucleotide position 2399. The serine at codon 800 is replaced by cysteine, an amino acid with dissimilar properties. This amino acid position is well conserved in available vertebrate species. In addition, the in silico prediction for this alteration is inconclusive. Based on the available evidence, the clinical significance of this variant remains unclear.

All of Us Research Program, National Institutes of Health
Classification: Uncertain significance for Arrhythmogenic right ventricular cardiomyopathy. Last evaluated: 2023-12-13. Review status: criteria provided, single submitter. Criteria: ACMG Guidelines, 2015. Collection method: clinical testing. Allele origin: germline. Inheritance: Autosomal dominant inheritance. Observed: 1 variant allele, 1 heterozygote.
Comment: This missense variant replaces serine with cysteine at codon 800 of the DSG2 protein. Computational prediction suggests that this variant may not impact protein structure and function (internally defined REVEL score threshold <= 0.5, PMID: 27666373). To our knowledge, functional studies have not been reported for this variant. This variant has been reported in one individual affected with arrhythmogenic right ventricular cardiomyopathy who also carried a pathogenic variant in the DSP gene that could explain the observed phenotype (PMID: 28588093). This variant has not been identified in the general population by the Genome Aggregation Database (gnomAD). The available evidence is insufficient to determine the role of this variant in disease conclusively. Therefore, this variant is classified as a Variant of Uncertain Significance.

This study involves interpretation of variants in research participants for the purpose of population health screening. Participant phenotype was not available at the time of variant classification. Additional details can be found in publication PMID: 35346344, PMCID: PMC8962531

Color Diagnostics, LLC DBA Color Health
Classification: Uncertain significance for Cardiomyopathy. Last evaluated: 2023-11-09. Review status: criteria provided, single submitter. Criteria: ACMG Guidelines, 2015. Collection method: clinical testing. Allele origin: germline.
Comment: This missense variant replaces serine with cysteine at codon 800 of the DSG2 protein. Computational prediction suggests that this variant may not impact protein structure and function (internally defined REVEL score threshold <= 0.5, PMID: 27666373). To our knowledge, functional studies have not been reported for this variant. This variant has been reported in one individual affected with arrhythmogenic right ventricular cardiomyopathy who also carried a pathogenic variant in the DSP gene that could explain the observed phenotype (PMID: 28588093). This variant has not been identified in the general population by the Genome Aggregation Database (gnomAD). The available evidence is insufficient to determine the role of this variant in disease conclusively. Therefore, this variant is classified as a Variant of Uncertain Significance.

Labcorp Genetics (formerly Invitae), Labcorp
Classification: Uncertain significance for Arrhythmogenic right ventricular dysplasia 10. Last evaluated: 2023-09-29. Review status: criteria provided, single submitter. Criteria: Invitae Variant Classification Sherloc (09022015). Collection method: clinical testing. Allele origin: germline.
Comment: This variant has not been reported in the literature in individuals affected with DSG2-related conditions. ClinVar contains an entry for this variant (Variation ID: 199816). Advanced modeling of protein sequence and biophysical properties (such as structural, functional, and spatial information, amino acid conservation, physicochemical variation, residue mobility, and thermodynamic stability) performed at Invitae indicates that this missense variant is not expected to disrupt DSG2 protein function. In summary, the available evidence is currently insufficient to determine the role of this variant in disease. Therefore, it has been classified as a Variant of Uncertain Significance. This variant is not present in population databases (gnomAD no frequency). This sequence change replaces serine, which is neutral and polar, with cysteine, which is neutral and slightly polar, at codon 800 of the DSG2 protein (p.Ser800Cys).

GeneDx
Classification: Uncertain significance. Last evaluated: 2020-08-05. Review status: criteria provided, single submitter. Criteria: GeneDx Variant Classification Process June 2021. Collection method: clinical testing. Allele origin: germline. Affected: yes.
Comment: Not observed in large population cohorts (Lek et al., 2016); In silico analysis, which includes protein predictors and evolutionary conservation, supports a deleterious effect; Has not been previously published as pathogenic or benign to our knowledge

Literature cited by the submitters: PubMed 28588093 (cited by All of Us Research Program, National Institutes of Health and Color Diagnostics, LLC DBA Color Health).

NM_001943.5(DSG2):c.2399C>G (p.Ser800Cys)

Genes: DSG2 (desmoglein 2; plus strand), DSG2-AS1 (DSG2 antisense RNA 1; minus strand). Cytogenetic location: 18q12.1.
Variant type: single nucleotide variant.
Coding change: c.2399C>G on transcript NM_001943.5 (MANE Select); coding-DNA position 2399, C replaced by G.
Protein change: p.Ser800Cys; replaces serine 800 with cysteine.
Molecular consequence: missense variant. On other transcripts: non-coding transcript variant (1).
Genome position (GRCh38, 1-based): chr18:31,545,785, C>G. VCF-style: chr18-31545785-C-G. GRCh37 (hg19) VCF-style: chr18-29125748-C-G.
Other names: c.2399C>G (LRG_397t1); short protein forms S800C.
Identifiers: ClinVar variation 199816 (VCV000199816.20), dbSNP rs794728090, ClinGen allele CA021781.